The following is an entry in ClinVar:

ClinVar aggregate classification (germline): Pathogenic (1 of 4 stars; one submission).

Conditions:
Early-infantile DEE. Also called: Ohtahara syndrome; Early infantile epileptic encephalopathy with suppression bursts; Early infantile epileptic encephalopathy. Identifiers: Orphanet 1934, MedGen C0393706, MONDO:0800491.

Submission:

Labcorp Genetics (formerly Invitae), Labcorp
Classification: Pathogenic for Early-infantile DEE. Last evaluated: 2025-07-03. Review status: criteria provided, single submitter. Criteria: Invitae Variant Classification Sherloc (09022015). Collection method: clinical testing. Allele origin: germline.
Comment: This sequence change falls in intron 2 of the SCN1A gene. It does not directly change the encoded amino acid sequence of the SCN1A protein. It affects a nucleotide within the consensus splice site. This variant is not present in population databases (gnomAD no frequency). This variant has been observed in individual(s) with SCN1A-related conditions (internal data). In at least one individual the variant was observed to be de novo. ClinVar contains an entry for this variant (Variation ID: 3724492). Variants that disrupt the consensus splice site are a relatively common cause of aberrant splicing (PMID: 17576681, 9536098). Algorithms developed to predict the effect of sequence changes on RNA splicing suggest that this variant may disrupt the consensus splice site. For these reasons, this variant has been classified as Pathogenic.

Literature cited by the submitters: PubMed 17576681; PubMed 9536098.

NM_001165963.4(SCN1A):c.383+6C>T

Gene: SCN1A (sodium voltage-gated channel alpha subunit 1; minus strand). Cytogenetic location: 2q24.3.
Variant type: single nucleotide variant.
Coding change: c.383+6C>T on transcript NM_001165963.4 (MANE Select); 6 bases into the intron after coding-DNA position 383, C replaced by T.
Molecular consequence: intron variant.
Genome position (GRCh38, 1-based): chr2:166,058,564, G>A on the plus strand (C>T on the coding strand, the complement: SCN1A is on the minus strand). VCF-style: chr2-166058564-G-A. GRCh37 (hg19) VCF-style: chr2-166915074-G-A.
Other names: c.383+6C>T (NM_001353949.2, NM_001353958.2, NM_001353950.2 and 10 more transcripts); c.-2043+6C>T (NM_001353961.2).
Identifiers: ClinVar variation 3724492 (VCV003724492.2).